The following is an entry in ClinVar:

ClinVar aggregate classification (germline): Uncertain significance (1 of 4 stars; one submission).

Allele frequency attached by ClinVar (database versions not stated): gnomAD exomes below 0.00001.
gnomAD v4.1: 1 of 1,613,834 alleles (0.000062%); highest among the groups gnomAD compares: Non-Finnish European, 0.000085%; no homozygotes.

Submission:

Labcorp Genetics (formerly Invitae), Labcorp
Classification: Uncertain significance. Last evaluated: 2022-05-29. Review status: criteria provided, single submitter. Criteria: Invitae Variant Classification Sherloc (09022015). Collection method: clinical testing. Allele origin: germline.
Comment: In summary, the available evidence is currently insufficient to determine the role of this variant in disease. Therefore, it has been classified as a Variant of Uncertain Significance. Algorithms developed to predict the effect of missense changes on protein structure and function (SIFT, PolyPhen-2, Align-GVGD) all suggest that this variant is likely to be tolerated. This variant has not been reported in the literature in individuals affected with DOCK6-related conditions. This variant is not present in population databases (gnomAD no frequency). This sequence change replaces asparagine, which is neutral and polar, with lysine, which is basic and polar, at codon 196 of the DOCK6 protein (p.Asn196Lys).

NM_020812.4(DOCK6):c.588C>A (p.Asn196Lys)

Gene: DOCK6 (dedicator of cytokinesis 6; minus strand). Cytogenetic location: 19p13.2.
Variant type: single nucleotide variant.
Coding change: c.588C>A on transcript NM_020812.4 (MANE Select); coding-DNA position 588, C replaced by A.
Protein change: p.Asn196Lys; replaces asparagine 196 with lysine.
Molecular consequence: missense variant.
Genome position (GRCh38, 1-based): chr19:11,251,006, G>T on the plus strand (C>A on the coding strand, the complement: DOCK6 is on the minus strand). VCF-style: chr19-11251006-G-T. GRCh37 (hg19) VCF-style: chr19-11361682-G-T.
Other names: c.588C>A, p.Asn196Lys (NM_001367830.1); short protein forms N196K.
Identifiers: ClinVar variation 1911390 (VCV001911390.5), dbSNP rs1018595729, ClinGen allele CA404116948.